The following is an entry in ClinVar:

ClinVar aggregate classification (germline): Uncertain significance (1 of 4 stars; one submission).

Submission:

Mayo Clinic Laboratories, Mayo Clinic
Classification: Uncertain significance. Last evaluated: 2023-11-01. Review status: criteria provided, single submitter. Criteria: ACMG Guidelines, 2015. Collection method: clinical testing. Allele origin: germline. Observed: 1 variant allele.
Comment: PM2_moderate

NM_000132.4(F8):c.1333G>A (p.Val445Ile)

Gene: F8 (coagulation factor VIII; minus strand). Cytogenetic location: Xq28.
Variant type: single nucleotide variant.
Coding change: c.1333G>A on transcript NM_000132.4 (MANE Select); coding-DNA position 1333, G replaced by A.
Protein change: p.Val445Ile; replaces valine 445 with isoleucine.
Molecular consequence: missense variant.
Genome position (GRCh38, 1-based): chrX:154,966,080, C>T on the plus strand (G>A on the coding strand, the complement: F8 is on the minus strand). VCF-style: chrX-154966080-C-T. GRCh37 (hg19) VCF-style: chrX-154194355-C-T.
Other names: p.Val445Ile; short protein forms V445I.
Identifiers: ClinVar variation 3380767 (VCV003380767.1).